The following is an entry in ClinVar:

NM_014727.3(KMT2B):c.5665+9C>T

Gene: KMT2B (lysine methyltransferase 2B; plus strand). Cytogenetic location: 19q13.12.
Variant type: single nucleotide variant.
Coding change: c.5665+9C>T on transcript NM_014727.3 (MANE Select); 9 bases into the intron after coding-DNA position 5665, C replaced by T.
Molecular consequence: intron variant.
Genome position (GRCh38, 1-based): chr19:35,732,144, C>T. VCF-style: chr19-35732144-C-T. GRCh37 (hg19) VCF-style: chr19-36223045-C-T.
Identifiers: ClinVar variation 714887 (VCV000714887.12), dbSNP rs114226734, ClinGen allele CA9385481.

ClinVar aggregate classification (germline): Benign. Review status: criteria provided, single submitter (1 of 4 stars). 2 submissions from 2 submitters: Benign (1). 1 of the submissions does not count toward it. Last evaluated 2026-01-28.

Conditions:
KMT2B-related disorder. Also called: KMT2B-related disorders; KMT2B-related condition. Identifiers: MedGen CN381338.

Allele frequency attached by ClinVar (database versions not stated): gnomAD exomes 0.00013 and 0.00037; ExAC 0.00061; TOPMed 0.00159; 1000 Genomes Project 30x 0.00172; 1000 Genomes Project 0.00180; ESP Exome Variant Server 0.00243.
gnomAD v4.1: 388 of 1,580,708 alleles (0.025%); highest among the groups gnomAD compares: African/African-American, 0.44%; no homozygotes.

Submissions (2):

Labcorp Genetics (formerly Invitae), Labcorp
Classification: Benign. Last evaluated: 2026-01-28. Review status: criteria provided, single submitter. Criteria: Invitae Variant Classification Sherloc (09022015). Collection method: clinical testing. Allele origin: germline.

PreventionGenetics, part of Exact Sciences
Classification: Benign for KMT2B-related condition. Last evaluated: 2019-03-05. Review status: no assertion criteria provided. Collection method: clinical testing. Allele origin: germline. Not counted in ClinVar's aggregate classification.
Comment: This variant is classified as benign based on ACMG/AMP sequence variant interpretation guidelines (Richards et al. 2015 PMID: 25741868, with internal and published modifications).